The following is an entry in ClinVar:

NM_001003800.2(BICD2):c.567C>G (p.Ile189Met)

Gene: BICD2 (BICD cargo adaptor 2; minus strand). Cytogenetic location: 9q22.31.
Variant type: single nucleotide variant.
Coding change: c.567C>G on transcript NM_001003800.2 (MANE Select); coding-DNA position 567, C replaced by G.
Protein change: p.Ile189Met; replaces isoleucine 189 with methionine.
Molecular consequence: missense variant.
Genome position (GRCh38, 1-based): chr9:92,722,695, G>C on the plus strand (C>G on the coding strand, the complement: BICD2 is on the minus strand). VCF-style: chr9-92722695-G-C. GRCh37 (hg19) VCF-style: chr9-95484977-G-C.
Other names: c.567C>G, p.Ile189Met (NM_015250.4); short protein forms I189M.
Identifiers: ClinVar variation 1375587 (VCV001375587.8), dbSNP rs2131504104, ClinGen allele CA374045465.

ClinVar aggregate classification (germline): Likely pathogenic (1 of 4 stars; one submission).

Conditions:
Autosomal dominant childhood-onset proximal spinal muscular atrophy with contractures (SMALED2A). Also called: SPINAL MUSCULAR ATROPHY, LOWER EXTREMITY-PREDOMINANT, 2A, CHILDHOOD ONSET, AUTOSOMAL DOMINANT; Spinal muscular atrophy, lower extremity-predominant, 2A, autosomal dominant. Identifiers: Orphanet 363447, Orphanet 363454, MedGen C4747715, MONDO:0014121, OMIM 615290.

Submission:

Labcorp Genetics (formerly Invitae), Labcorp
Classification: Likely pathogenic for Autosomal dominant childhood-onset proximal spinal muscular atrophy with contractures. Last evaluated: 2023-03-10. Review status: criteria provided, single submitter. Criteria: Invitae Variant Classification Sherloc (09022015). Collection method: clinical testing. Allele origin: germline.
Comment: This variant disrupts the p.Ile189 amino acid residue in BICD2. Other variant(s) that disrupt this residue have been determined to be pathogenic (PMID: 25497877, 28883039). This suggests that this residue is clinically significant, and that variants that disrupt this residue are likely to be disease-causing. This sequence change replaces isoleucine, which is neutral and non-polar, with methionine, which is neutral and non-polar, at codon 189 of the BICD2 protein (p.Ile189Met). This variant is not present in population databases (gnomAD no frequency). This missense change has been observed in individual(s) with clinical features of BICD2-related conditions (Invitae). It has also been observed to segregate with disease in related individuals. ClinVar contains an entry for this variant (Variation ID: 1375587). Advanced modeling performed at Invitae incorporating data from internal and/or published experimental studies (Invitae) indicates that this missense variant is not expected to disrupt BICD2 function. In summary, the currently available evidence indicates that the variant is pathogenic, but additional data are needed to prove that conclusively. Therefore, this variant has been classified as Likely Pathogenic.

Literature cited by the submitters: PubMed 25497877; PubMed 28883039.